The following is an entry in ClinVar:

ClinVar aggregate classification (germline): Uncertain significance (1 of 4 stars; one submission).

Allele frequency attached by ClinVar (database versions not stated): gnomAD exomes 0.00002.
gnomAD v4.1: 22 of 1,612,800 alleles (0.0014%); highest among the groups gnomAD compares: Non-Finnish European, 0.0018%; no homozygotes.

Submission:

Labcorp Genetics (formerly Invitae), Labcorp
Classification: Uncertain significance. Last evaluated: 2024-06-14. Review status: criteria provided, single submitter. Criteria: Invitae Variant Classification Sherloc (09022015). Collection method: clinical testing. Allele origin: germline.
Comment: This sequence change replaces aspartic acid, which is acidic and polar, with glutamic acid, which is acidic and polar, at codon 329 of the EFTUD2 protein (p.Asp329Glu). This variant is present in population databases (no rsID available, gnomAD 0.0009%). This variant has not been reported in the literature in individuals affected with EFTUD2-related conditions. Advanced modeling of protein sequence and biophysical properties (such as structural, functional, and spatial information, amino acid conservation, physicochemical variation, residue mobility, and thermodynamic stability) performed at Invitae indicates that this missense variant is not expected to disrupt EFTUD2 protein function with a negative predictive value of 80%. In summary, the available evidence is currently insufficient to determine the role of this variant in disease. Therefore, it has been classified as a Variant of Uncertain Significance.

NM_004247.4(EFTUD2):c.987C>A (p.Asp329Glu)

Gene: EFTUD2 (elongation factor Tu GTP binding domain containing 2; minus strand). Cytogenetic location: 17q21.31.
Variant type: single nucleotide variant.
Coding change: c.987C>A on transcript NM_004247.4 (MANE Select); coding-DNA position 987, C replaced by A.
Protein change: p.Asp329Glu; replaces aspartic acid 329 with glutamic acid.
Molecular consequence: missense variant.
Genome position (GRCh38, 1-based): chr17:44,872,453, G>T on the plus strand (C>A on the coding strand, the complement: EFTUD2 is on the minus strand). VCF-style: chr17-44872453-G-T. GRCh37 (hg19) VCF-style: chr17-42949821-G-T.
Other names: c.882C>A, p.Asp294Glu (NM_001142605.2); c.987C>A, p.Asp329Glu (NM_001258353.2); c.957C>A, p.Asp319Glu (NM_001258354.2); short protein forms D319E, D329E, D294E.
Identifiers: ClinVar variation 3010125 (VCV003010125.3), dbSNP rs1213002194, ClinGen allele CA399817929.